The following is an entry in ClinVar:

NM_002016.2(FLG):c.1555C>A (p.His519Asn)

Genes: CCDST (cervical cancer associated DHX9 suppressive transcript; plus strand), FLG (filaggrin; minus strand). Cytogenetic location: 1q21.3.
Variant type: single nucleotide variant.
Coding change: c.1555C>A on transcript NM_002016.2 (MANE Select); coding-DNA position 1555, C replaced by A.
Protein change: p.His519Asn; replaces histidine 519 with asparagine.
Molecular consequence: missense variant.
Genome position (GRCh38, 1-based): chr1:152,313,331, G>T on the plus strand (C>A on the coding strand, the complement: FLG is on the minus strand). VCF-style: chr1-152313331-G-T. GRCh37 (hg19) VCF-style: chr1-152285807-G-T.
Other names: short protein forms H519N.
Identifiers: ClinVar variation 1263560 (VCV001263560.5), dbSNP rs12036682, ClinGen allele CA1107582.

ClinVar aggregate classification (germline): Benign. Review status: criteria provided, multiple submitters, no conflicts (2 of 4 stars). 3 submissions from 3 submitters: Benign (2). 1 of the submissions does not count toward it. Last evaluated 2018-07-09.

Conditions:
FLG-related disorder. Also called: FLG-related condition; FLG-related disorders.

Allele frequency attached by ClinVar (database versions not stated): ESP Exome Variant Server 0.00054; gnomAD 0.00447 and 0.00590; TOPMed 0.00625; gnomAD exomes 0.01186; ExAC 0.01208; 1000 Genomes Project 30x 0.02280; 1000 Genomes Project 0.02456.
gnomAD v4.1: 7,840 of 1,613,592 alleles (0.49%); highest among the groups gnomAD compares: East Asian, 13%; 435 homozygotes.

Submissions (3):

GeneDx
Classification: Benign. Last evaluated: 2018-07-09. Review status: criteria provided, single submitter. Criteria: GeneDx Variant Classification Process June 2021. Collection method: clinical testing. Allele origin: germline. Affected: yes.

Breakthrough Genomics
Classification: Benign. Review status: criteria provided, single submitter. Criteria: ACMG Guidelines, 2015. Collection method: not provided. Allele origin: germline. Inheritance: Autosomal dominant inheritance. Affected: yes.

PreventionGenetics, part of Exact Sciences
Classification: Benign for FLG-related condition. Last evaluated: 2023-09-08. Review status: no assertion criteria provided. Collection method: clinical testing. Allele origin: germline. Not counted in ClinVar's aggregate classification.
Comment: This variant is classified as benign based on ACMG/AMP sequence variant interpretation guidelines (Richards et al. 2015 PMID: 25741868, with internal and published modifications).